The following is an entry in ClinVar:

ClinVar aggregate classification (germline): Likely benign. Review status: criteria provided, multiple submitters, no conflicts (2 of 4 stars). 2 submissions from 2 submitters: Likely benign (2). Last evaluated 2024-10-11.

Submissions (2):

Blueprint Genetics
Classification: Likely benign. Last evaluated: 2024-10-11. Review status: criteria provided, single submitter. Criteria: ACMG Guidelines, 2015. Collection method: clinical testing. Allele origin: germline.

Mayo Clinic Laboratories, Mayo Clinic
Classification: Likely benign. Last evaluated: 2024-03-12. Review status: criteria provided, single submitter. Criteria: ACMG Guidelines, 2015. Collection method: clinical testing. Allele origin: germline. Observed: 3 variant alleles.
Comment: BS1, BP4, BP7

NM_003194.5(TBP):c.210G>A (p.Gln70=)

Genes: TBP (TATA-box binding protein; plus strand), LOC108663996 (TATA-box binding protein repeat instability region; plus strand). Cytogenetic location: 6q27.
Variant type: single nucleotide variant.
Coding change: c.210G>A on transcript NM_003194.5 (MANE Select); coding-DNA position 210, G replaced by A.
Protein change: p.Gln70=; no amino-acid change (glutamine 70 retained).
Molecular consequence: synonymous variant.
Genome position (GRCh38, 1-based): chr6:170,561,946, G>A. VCF-style: chr6-170561946-G-A. GRCh37 (hg19) VCF-style: chr6-170871034-G-A.
Other names: p.Gln70=; c.150G>A, p.Gln50= (NM_001172085.2).
Identifiers: ClinVar variation 4683237 (VCV004683237.2).